The following is an entry in ClinVar:

NM_032043.3(BRIP1):c.1725A>G (p.Lys575=)

Gene: BRIP1 (BRCA1 interacting DNA helicase 1; minus strand). Cytogenetic location: 17q23.2.
Variant type: single nucleotide variant.
Coding change: c.1725A>G on transcript NM_032043.3 (MANE Select); coding-DNA position 1725, A replaced by G.
Protein change: p.Lys575=; no amino-acid change (lysine 575 retained).
Molecular consequence: synonymous variant.
Genome position (GRCh38, 1-based): chr17:61,780,909, T>C on the plus strand (A>G on the coding strand, the complement: BRIP1 is on the minus strand). VCF-style: chr17-61780909-T-C. GRCh37 (hg19) VCF-style: chr17-59858270-T-C.
Identifiers: ClinVar variation 491415 (VCV000491415.12), dbSNP rs1555602537, ClinGen allele CA501150511.

ClinVar aggregate classification (germline): Conflicting classifications of pathogenicity. Review status: criteria provided, conflicting classifications (1 of 4 stars). 4 submissions from 4 submitters: Uncertain significance (1); Likely benign (3). Last evaluated 2026-06-24.

Conditions:
Hereditary cancer-predisposing syndrome. Also called: Hereditary Cancer Syndrome; Tumor predisposition; Hereditary neoplastic syndrome; Neoplastic Syndromes, Hereditary. Identifiers: Orphanet 140162, MedGen C0027672, MeSH D009386, MONDO:0015356.
Familial cancer of breast. Also called: Hereditary breast cancer; hereditary breast carcinoma; BREAST CANCER, FAMILIAL. Identifiers: Orphanet 227535, MedGen C0346153, MONDO:0016419, OMIM 114480. Disease mechanism: loss of function.
Fanconi anemia complementation group J. Also called: BRIP1-Related Fanconi Anemia. Identifiers: Orphanet 84, MedGen C1836860, MONDO:0012187, OMIM 609054.

Submissions (4):

Ambry Genetics
Classification: Likely benign for Hereditary cancer-predisposing syndrome. Last evaluated: 2026-06-24. Review status: criteria provided, single submitter. Criteria: Ambry Variant Classification Scheme 2023. Collection method: clinical testing. Allele origin: germline.

Labcorp Genetics (formerly Invitae), Labcorp
Classification: Likely benign for Familial cancer of breast; Fanconi anemia complementation group J. Last evaluated: 2024-02-17. Review status: criteria provided, single submitter. Criteria: Invitae Variant Classification Sherloc (09022015). Collection method: clinical testing. Allele origin: germline.

GeneDx
Classification: Uncertain significance. Last evaluated: 2019-12-18. Review status: criteria provided, single submitter. Criteria: GeneDx Variant Classification Process June 2021. Collection method: clinical testing. Allele origin: germline. Affected: yes.
Comment: Not observed in large population cohorts (Lek 2016); In silico analysis, which includes splice predictors and evolutionary conservation, supports that this variant does not alter protein structure/function; Has not been previously published as pathogenic or benign to our knowledge

Color Diagnostics, LLC DBA Color Health
Classification: Likely benign for Hereditary cancer-predisposing syndrome. Last evaluated: 2017-11-02. Review status: criteria provided, single submitter. Criteria: ACMG Guidelines, 2015. Collection method: clinical testing. Allele origin: germline.